The following is an entry in ClinVar:

NM_000094.4(COL7A1):c.5098G>C (p.Gly1700Arg)

Gene: COL7A1 (collagen type VII alpha 1 chain; minus strand). Cytogenetic location: 3p21.31.
Variant type: single nucleotide variant.
Coding change: c.5098G>C on transcript NM_000094.4 (MANE Select); coding-DNA position 5098, G replaced by C.
Protein change: p.Gly1700Arg; replaces glycine 1700 with arginine.
Molecular consequence: missense variant.
Genome position (GRCh38, 1-based): chr3:48,580,057, C>G on the plus strand (G>C on the coding strand, the complement: COL7A1 is on the minus strand). VCF-style: chr3-48580057-C-G. GRCh37 (hg19) VCF-style: chr3-48617490-C-G.
Other names: short protein forms G1700R.
Identifiers: ClinVar variation 1203661 (VCV001203661.5), dbSNP rs773932446, ClinGen allele CA2379669.
Genomic context (GRCh38, chr3:48,580,057, plus strand): 5'-AATGACAGAGGACCAGACCCAGCGCAGCCCTTACCAGCCGTCCCGGGGGTCCTGGGGGAC[C>G]CTGGGAAAGGAAATGATTATAGTCAATAGGAGCCCTCAGGTCCCAGGCCATGGCTCTGGT-3'
Protein context (NP_000085.1, residues 1690-1710): SGPKGDRGEP[Gly1700Arg]PPGPPGRLVD

ClinVar aggregate classification (germline): Pathogenic (1 of 4 stars; one submission).

Allele frequency attached by ClinVar (database versions not stated): gnomAD exomes below 0.00001; ExAC 0.00001.

Submission:

GeneDx
Classification: Pathogenic. Last evaluated: 2021-09-20. Review status: criteria provided, single submitter. Criteria: GeneDx Variant Classification Process June 2021. Collection method: clinical testing. Allele origin: germline. Affected: yes.
Comment: Located in the highly conserved Gly-X-Y repeat of the collagenous domain; Glycine substitution variants in this region of the COLVII protein destabilize the collagen triple helix resulting in skin fragility due to poor anchoring of the basement membrane to the underlying dermis (Pfendner and Lucky, 2018); Not observed at significant frequency in large population cohorts (Lek et al., 2016); In silico analysis, which includes protein predictors and evolutionary conservation, supports a deleterious effect; This variant is associated with the following publications: (PMID: 27535533, 32542816)